The following is an entry in ClinVar:

ClinVar aggregate classification (germline): Uncertain significance (1 of 4 stars; one submission).

Allele frequency attached by ClinVar (database versions not stated): gnomAD exomes below 0.00001.
gnomAD v4.1: 1 of 1,613,184 alleles (0.000062%); highest among the groups gnomAD compares: Non-Finnish European, 0.000085%; no homozygotes.

Submission:

Labcorp Genetics (formerly Invitae), Labcorp
Classification: Uncertain significance. Last evaluated: 2022-04-04. Review status: criteria provided, single submitter. Criteria: Invitae Variant Classification Sherloc (09022015). Collection method: clinical testing. Allele origin: germline.
Comment: In summary, the available evidence is currently insufficient to determine the role of this variant in disease. Therefore, it has been classified as a Variant of Uncertain Significance. Algorithms developed to predict the effect of missense changes on protein structure and function (SIFT, PolyPhen-2, Align-GVGD) all suggest that this variant is likely to be tolerated. This variant has not been reported in the literature in individuals affected with VPS13C-related conditions. This variant is present in population databases (no rsID available, gnomAD 0.0009%). This sequence change replaces serine, which is neutral and polar, with glycine, which is neutral and non-polar, at codon 407 of the VPS13C protein (p.Ser407Gly).

NM_020821.3(VPS13C):c.1219A>G (p.Ser407Gly)

Gene: VPS13C (vacuolar protein sorting 13 homolog C; minus strand). Cytogenetic location: 15q22.2.
Variant type: single nucleotide variant.
Coding change: c.1219A>G on transcript NM_020821.3 (MANE Select); coding-DNA position 1219, A replaced by G.
Protein change: p.Ser407Gly; replaces serine 407 with glycine.
Molecular consequence: missense variant.
Genome position (GRCh38, 1-based): chr15:62,007,379, T>C on the plus strand (A>G on the coding strand, the complement: VPS13C is on the minus strand). VCF-style: chr15-62007379-T-C. GRCh37 (hg19) VCF-style: chr15-62299578-T-C.
Other names: c.1219A>G, p.Ser407Gly (NM_001018088.3); c.1090A>G, p.Ser364Gly (NM_017684.5, NM_018080.4); short protein forms S407G, S364G.
Identifiers: ClinVar variation 2121551 (VCV002121551.4), dbSNP rs934272979, ClinGen allele CA392687850.